The following is an entry in ClinVar:

ClinVar aggregate classification (germline): Uncertain significance (1 of 4 stars; one submission).

Conditions:
Fanconi anemia complementation group J. Also called: BRIP1-Related Fanconi Anemia. Identifiers: Orphanet 84, MedGen C1836860, MONDO:0012187, OMIM 609054.
Familial cancer of breast. Also called: BREAST CANCER, FAMILIAL; Hereditary breast cancer; hereditary breast carcinoma. Identifiers: Orphanet 227535, MedGen C0346153, MONDO:0016419, OMIM 114480. Disease mechanism: loss of function.

Submission:

Labcorp Genetics (formerly Invitae), Labcorp
Classification: Uncertain significance for Familial cancer of breast; Fanconi anemia complementation group J. Last evaluated: 2020-09-02. Review status: criteria provided, single submitter. Criteria: Invitae Variant Classification Sherloc (09022015). Collection method: clinical testing. Allele origin: germline.
Comment: Algorithms developed to predict the effect of missense changes on protein structure and function are either unavailable or do not agree on the potential impact of this missense change (SIFT: "Deleterious"; PolyPhen-2: "Probably Damaging"; Align-GVGD: "Class C0"). This variant has not been reported in the literature in individuals with BRIP1-related conditions. This variant is not present in population databases (ExAC no frequency). This sequence change replaces proline with histidine at codon 812 of the BRIP1 protein (p.Pro812His). The proline residue is moderately conserved and there is a moderate physicochemical difference between proline and histidine. In summary, the available evidence is currently insufficient to determine the role of this variant in disease. Therefore, it has been classified as a Variant of Uncertain Significance.

NM_032043.3(BRIP1):c.2435C>A (p.Pro812His)

Gene: BRIP1 (BRCA1 interacting DNA helicase 1; minus strand). Cytogenetic location: 17q23.2.
Variant type: single nucleotide variant.
Coding change: c.2435C>A on transcript NM_032043.3 (MANE Select); coding-DNA position 2435, C replaced by A.
Protein change: p.Pro812His; replaces proline 812 with histidine.
Molecular consequence: missense variant.
Genome position (GRCh38, 1-based): chr17:61,716,008, G>T on the plus strand (C>A on the coding strand, the complement: BRIP1 is on the minus strand). VCF-style: chr17-61716008-G-T. GRCh37 (hg19) VCF-style: chr17-59793369-G-T.
Other names: short protein forms P812H.
Identifiers: ClinVar variation 1042668 (VCV001042668.9), dbSNP rs876659410, ClinGen allele CA400479628.
Genomic context (GRCh38, chr17:61,716,008, plus strand): 5'-TACCTACCAAGGGCCTGGTTTAAGGCCCTGTATGCTTGAATTTCATACCACTGACGGCCA[G>T]GTAGAAGACCTCTCAATTTTGAATGGTGGTCATTGTATTGTCGTTTTAGTTCAACCTAAT-3'
Protein context (NP_114432.2, residues 802-822): DHHSKLRGLL[Pro812His]GRQWYEIQAY